The following is an entry in ClinVar:

ClinVar aggregate classification (germline): Uncertain significance. Review status: criteria provided, multiple submitters, no conflicts (2 of 4 stars). 2 submissions from 2 submitters: Uncertain significance (2). Last evaluated 2025-10-13.

gnomAD v4.1: 7 of 1,614,132 alleles (0.00043%); highest among the groups gnomAD compares: Non-Finnish European, 0.00059%; no homozygotes.

Submissions (2):

Labcorp Genetics (formerly Invitae), Labcorp
Classification: Uncertain significance. Last evaluated: 2025-10-13. Review status: criteria provided, single submitter. Criteria: Invitae Variant Classification Sherloc (09022015). Collection method: clinical testing. Allele origin: germline.
Comment: This sequence change replaces serine, which is neutral and polar, with tyrosine, which is neutral and polar, at codon 405 of the TBX20 protein (p.Ser405Tyr). This variant is not present in population databases (gnomAD no frequency). This variant has not been reported in the literature in individuals affected with TBX20-related conditions. ClinVar contains an entry for this variant (Variation ID: 3627280). An algorithm developed to predict the effect of missense changes on protein structure and function (PolyPhen-2) suggests that this variant is likely to be tolerated. In summary, the available evidence is currently insufficient to determine the role of this variant in disease. Therefore, it has been classified as a Variant of Uncertain Significance.

Blueprint Genetics
Classification: Uncertain significance. Last evaluated: 2024-07-04. Review status: criteria provided, single submitter. Criteria: ACMG Guidelines, 2015. Collection method: clinical testing. Allele origin: germline.

NM_001077653.2(TBX20):c.1214C>A (p.Ser405Tyr)

Gene: TBX20 (T-box transcription factor 20; minus strand). Cytogenetic location: 7p14.2.
Variant type: single nucleotide variant.
Coding change: c.1214C>A on transcript NM_001077653.2 (MANE Select); coding-DNA position 1214, C replaced by A.
Protein change: p.Ser405Tyr; replaces serine 405 with tyrosine.
Molecular consequence: missense variant.
Genome position (GRCh38, 1-based): chr7:35,202,560, G>T on the plus strand (C>A on the coding strand, the complement: TBX20 is on the minus strand). VCF-style: chr7-35202560-G-T. GRCh37 (hg19) VCF-style: chr7-35242172-G-T.
Other names: short protein forms S405Y.
Identifiers: ClinVar variation 3627280 (VCV003627280.3).